The following is an entry in ClinVar:

NM_017763.6(RNF43):c.1522C>T (p.Leu508=)

Gene: RNF43 (ring finger protein 43; minus strand). Cytogenetic location: 17q22.
Variant type: single nucleotide variant.
Coding change: c.1522C>T on transcript NM_017763.6 (MANE Select); coding-DNA position 1522, C replaced by T.
Protein change: p.Leu508=; no amino-acid change (leucine 508 retained).
Molecular consequence: synonymous variant.
Genome position (GRCh38, 1-based): chr17:58,358,254, G>A on the plus strand (C>T on the coding strand, the complement: RNF43 is on the minus strand). VCF-style: chr17-58358254-G-A. GRCh37 (hg19) VCF-style: chr17-56435615-G-A.
Other names: c.1522C>T, p.Leu508= (NM_001305544.3, NM_001438820.1, NM_001438821.1 and 1 more transcripts); c.1141C>T, p.Leu381= (NM_001305545.2, NM_001437987.1).
Identifiers: ClinVar variation 5028324 (VCV005028324.2).

ClinVar aggregate classification (germline): Benign/Likely benign. Review status: criteria provided, multiple submitters, no conflicts (2 of 4 stars). 2 submissions from 2 submitters: Benign (1); Likely benign (1). Last evaluated 2026-07-02.

Conditions:
Sessile serrated polyposis cancer syndrome (SSPCS). Identifiers: Orphanet 157798, MedGen C4310714, MONDO:0014919, OMIM 617108.

Submissions (2):

Myriad Genetics, Inc.
Classification: Benign for Sessile serrated polyposis cancer syndrome. Last evaluated: 2026-07-02. Review status: criteria provided, single submitter. Criteria: Myriad Autosomal Dominant, Autosomal Recessive and X-Linked Classification Criteria (2023). Collection method: clinical testing. Allele origin: unknown.
Comment: This variant is considered benign. This variant is a silent/synonymous amino acid change and it is not expected to impact splicing.

Ambry Genetics
Classification: Likely benign. Last evaluated: 2026-06-26. Review status: criteria provided, single submitter. Criteria: Ambry Variant Classification Scheme 2023. Collection method: clinical testing. Allele origin: germline.